The following is an entry in ClinVar:

ClinVar aggregate classification (germline): Conflicting classifications of pathogenicity. Review status: criteria provided, conflicting classifications (1 of 4 stars). 5 submissions from 5 submitters: Likely pathogenic (3); Uncertain significance (2). Last evaluated 2025-09-28.

Conditions:
Galactosylceramide beta-galactosidase deficiency. Also called: GALACTOCEREBROSIDASE DEFICIENCY; GALC DEFICIENCY; Krabbe Disease; Leukodystrophy, Globoid Cell; GLOBOID CELL LEUKOENCEPHALOPATHY. Identifiers: Orphanet 487, MedGen C0023521, MONDO:0009499, OMIM 245200.

Allele frequency attached by ClinVar (database versions not stated): gnomAD exomes below 0.00001; gnomAD 0.00001; TOPMed 0.00001; ExAC 0.00002.
gnomAD v4.1: 3 of 1,573,996 alleles (0.00019%); highest among the groups gnomAD compares: Non-Finnish European, 0.00017%; no homozygotes.

Submissions (5):

Natera, Inc.
Classification: Likely pathogenic for Galactosylceramide beta-galactosidase deficiency. Last evaluated: 2025-09-28. Review status: criteria provided, single submitter. Criteria: Natera Variant Classification Schema (03/2026). Collection method: clinical testing. Allele origin: germline.
Comment: The c.583-6T>A variant in GALC is an intronic variant located outside the canonical splice sites. This variant is rare in the general population with a frequency below the threshold expected for the associated phenotype(s). This variant has been observed in one or more individuals affected with the associated recessive disease, as either homozygous or compound heterozygous with a second variant (PMID: 30777126, 32089546). Computational prediction algorithms indicate this variant is likely to affect gene or protein function. Given the available evidence, this variant is classified as Likely Pathogenic.

Labcorp Genetics (formerly Invitae), Labcorp
Classification: Uncertain significance for Galactosylceramide beta-galactosidase deficiency. Last evaluated: 2024-09-01. Review status: criteria provided, single submitter. Criteria: Invitae Variant Classification Sherloc (09022015). Collection method: clinical testing. Allele origin: germline.
Comment: This sequence change falls in intron 5 of the GALC gene. It does not directly change the encoded amino acid sequence of the GALC protein. This variant is present in population databases (rs398123176, gnomAD 0.002%). This variant has been observed in individuals with Krabbe disease (PMID: 30777126; internal data). ClinVar contains an entry for this variant (Variation ID: 92507). Algorithms developed to predict the effect of sequence changes on RNA splicing suggest that this variant may disrupt the consensus splice site. In summary, the available evidence is currently insufficient to determine the role of this variant in disease. Therefore, it has been classified as a Variant of Uncertain Significance.

Baylor Genetics
Classification: Likely pathogenic for Galactosylceramide beta-galactosidase deficiency. Last evaluated: 2023-05-24. Review status: criteria provided, single submitter. Criteria: ACMG Guidelines, 2015. Collection method: clinical testing. Allele origin: unknown.

Greenwood Genetic Center Diagnostic Laboratories, Greenwood Genetic Center
Classification: Likely pathogenic for Galactosylceramide beta-galactosidase deficiency. Last evaluated: 2023-04-27. Review status: criteria provided, single submitter. Criteria: ACMG Guidelines, 2015. Collection method: clinical testing. Allele origin: germline. Affected: yes.
Comment: PS4, PM2, PM3

Eurofins Ntd Llc (ga)
Classification: Uncertain significance. Last evaluated: 2014-08-07. Review status: criteria provided, single submitter. Criteria: EGL Classification Definitions 2015. Collection method: clinical testing. Allele origin: germline. Observed: 1 variant allele, 1 heterozygote.

Literature cited by the submitters: PubMed 30777126 (cited by Natera, Inc. and Labcorp Genetics (formerly Invitae), Labcorp); PubMed 32089546 (cited by Natera, Inc.).

NM_000153.4(GALC):c.583-6T>A

Gene: GALC (galactosylceramidase; minus strand). Cytogenetic location: 14q31.3.
Variant type: single nucleotide variant.
Coding change: c.583-6T>A on transcript NM_000153.4 (MANE Select); 6 bases into the intron before coding-DNA position 583, T replaced by A.
Molecular consequence: intron variant.
Genome position (GRCh38, 1-based): chr14:87,982,249, A>T on the plus strand (T>A on the coding strand, the complement: GALC is on the minus strand). VCF-style: chr14-87982249-A-T. GRCh37 (hg19) VCF-style: chr14-88448593-A-T.
Other names: c.505-6T>A (NM_001201402.2); c.514-6T>A (NM_001201401.2).
Identifiers: ClinVar variation 92507 (VCV000092507.15), dbSNP rs398123176, ClinGen allele CA220412.